The following is an entry in ClinVar:

ClinVar aggregate classification (germline): Uncertain significance. Review status: criteria provided, multiple submitters, no conflicts (2 of 4 stars). 2 submissions from 2 submitters: Uncertain significance (2). Last evaluated 2024-10-09.

Conditions:
Spermatogenic failure 18. Identifiers: MedGen C4539783, MONDO:0054615, OMIM 617576.
Ciliary dyskinesia, primary, 37 (CILD37). Also called: CILIARY DYSKINESIA, PRIMARY, 37, WITH OR WITHOUT SITUS INVERSUS. Identifiers: MedGen C4539798, MONDO:0033204, OMIM 617577.

Allele frequency attached by ClinVar (database versions not stated): gnomAD 0.00003 and 0.00004; TOPMed 0.00004; gnomAD exomes 0.00005 and 0.00006; ExAC 0.00007; ESP Exome Variant Server 0.00008; 1000 Genomes Project 30x 0.00016; 1000 Genomes Project 0.00020.

Submissions (2):

Ambry Genetics
Classification: Uncertain significance. Last evaluated: 2024-10-09. Review status: criteria provided, single submitter. Criteria: Ambry Variant Classification Scheme 2023. Collection method: clinical testing. Allele origin: germline.

Labcorp Genetics (formerly Invitae), Labcorp
Classification: Uncertain significance for Ciliary dyskinesia, primary, 37; Spermatogenic failure 18. Last evaluated: 2022-08-16. Review status: criteria provided, single submitter. Criteria: Invitae Variant Classification Sherloc (09022015). Collection method: clinical testing. Allele origin: germline.
Comment: This sequence change replaces threonine, which is neutral and polar, with methionine, which is neutral and non-polar, at codon 3334 of the DNAH1 protein (p.Thr3334Met). This variant is present in population databases (rs370469158, gnomAD 0.05%). This variant has not been reported in the literature in individuals affected with DNAH1-related conditions. ClinVar contains an entry for this variant (Variation ID: 1435544). Algorithms developed to predict the effect of missense changes on protein structure and function are either unavailable or do not agree on the potential impact of this missense change (SIFT: "Deleterious"; PolyPhen-2: "Possibly Damaging"; Align-GVGD: "Class C0"). In summary, the available evidence is currently insufficient to determine the role of this variant in disease. Therefore, it has been classified as a Variant of Uncertain Significance.

NM_015512.5(DNAH1):c.10001C>T (p.Thr3334Met)

Gene: DNAH1 (dynein axonemal heavy chain 1; plus strand). Cytogenetic location: 3p21.1.
Variant type: single nucleotide variant.
Coding change: c.10001C>T on transcript NM_015512.5 (MANE Select); coding-DNA position 10001, C replaced by T.
Protein change: p.Thr3334Met; replaces threonine 3334 with methionine.
Molecular consequence: missense variant.
Genome position (GRCh38, 1-based): chr3:52,391,552, C>T. VCF-style: chr3-52391552-C-T. GRCh37 (hg19) VCF-style: chr3-52425568-C-T.
Other names: c.10001C>T (NM_015512.4); short protein forms T3334M.
Identifiers: ClinVar variation 1435544 (VCV001435544.5), dbSNP rs370469158, ClinGen allele CA2435674.